The following is an entry in ClinVar:

ClinVar aggregate classification (germline): Uncertain significance (1 of 4 stars; one submission).

Conditions:
Werner syndrome (WRN). Identifiers: Orphanet 902, MedGen C0043119, MONDO:0010196, OMIM 277700.

Allele frequency attached by ClinVar (database versions not stated): ExAC 0.00001; gnomAD exomes 0.00001; TOPMed 0.00005; ESP Exome Variant Server 0.00008; gnomAD 0.00009.
gnomAD v4.1: 15 of 1,613,868 alleles (0.00093%); highest among the groups gnomAD compares: African/African-American, 0.019%; no homozygotes.

Submission:

Labcorp Genetics (formerly Invitae), Labcorp
Classification: Uncertain significance for Werner syndrome. Last evaluated: 2025-07-30. Review status: criteria provided, single submitter. Criteria: Invitae Variant Classification Sherloc (09022015). Collection method: clinical testing. Allele origin: germline.
Comment: This sequence change replaces histidine, which is basic and polar, with arginine, which is basic and polar, at codon 808 of the WRN protein (p.His808Arg). This variant is present in population databases (rs377012608, gnomAD 0.02%). This variant has not been reported in the literature in individuals affected with WRN-related conditions. ClinVar contains an entry for this variant (Variation ID: 528159). An algorithm developed to predict the effect of missense changes on protein structure and function (PolyPhen-2) suggests that this variant is likely to be disruptive. In summary, the available evidence is currently insufficient to determine the role of this variant in disease. Therefore, it has been classified as a Variant of Uncertain Significance.

NM_000553.6(WRN):c.2423A>G (p.His808Arg)

Gene: WRN (WRN RecQ like helicase; plus strand). Cytogenetic location: 8p12.
Variant type: single nucleotide variant.
Coding change: c.2423A>G on transcript NM_000553.6 (MANE Select); coding-DNA position 2423, A replaced by G.
Protein change: p.His808Arg; replaces histidine 808 with arginine.
Molecular consequence: missense variant.
Genome position (GRCh38, 1-based): chr8:31,116,503, A>G. VCF-style: chr8-31116503-A-G. GRCh37 (hg19) VCF-style: chr8-30974019-A-G.
Other names: short protein forms H808R.
Identifiers: ClinVar variation 528159 (VCV000528159.6), dbSNP rs377012608, ClinGen allele CA4704738.